The following is an entry in ClinVar:

ClinVar aggregate classification (germline): Uncertain significance (1 of 4 stars; one submission).

Submission:

Ambry Genetics
Classification: Uncertain significance. Last evaluated: 2025-08-29. Review status: criteria provided, single submitter. Criteria: Ambry Variant Classification Scheme 2023. Collection method: clinical testing. Allele origin: germline.
Comment: The p.C796G variant (also known as c.2386T>G), located in coding exon 13 of the GEN1 gene, results from a T to G substitution at nucleotide position 2386. The cysteine at codon 796 is replaced by glycine, an amino acid with highly dissimilar properties. This amino acid position is conserved. In addition, this alteration is predicted to be deleterious by in silico analysis. Based on the available evidence, the clinical significance of this variant remains unclear.

NM_001130009.3(GEN1):c.2386T>G (p.Cys796Gly)

Gene: GEN1 (GEN1 Holliday junction 5' flap endonuclease; plus strand). Cytogenetic location: 2p24.2.
Variant type: single nucleotide variant.
Coding change: c.2386T>G on transcript NM_001130009.3 (MANE Select); coding-DNA position 2386, T replaced by G.
Protein change: p.Cys796Gly; replaces cysteine 796 with glycine.
Molecular consequence: missense variant.
Genome position (GRCh38, 1-based): chr2:17,781,598, T>G. VCF-style: chr2-17781598-T-G. GRCh37 (hg19) VCF-style: chr2-17962865-T-G.
Other names: c.2386T>G, p.Cys796Gly (NM_182625.5); short protein forms C796G.
Identifiers: ClinVar variation 4263099 (VCV004263099.1).